The following is an entry in ClinVar:

NM_014633.5(CTR9):c.3221G>A (p.Arg1074Gln)

Gene: CTR9 (CTR9 component of Paf1/RNA polymerase II complex; plus strand). Cytogenetic location: 11p15.4.
Variant type: single nucleotide variant.
Coding change: c.3221G>A on transcript NM_014633.5 (MANE Select); coding-DNA position 3221, G replaced by A.
Protein change: p.Arg1074Gln; replaces arginine 1074 with glutamine.
Molecular consequence: missense variant.
Genome position (GRCh38, 1-based): chr11:10,778,804, G>A. VCF-style: chr11-10778804-G-A. GRCh37 (hg19) VCF-style: chr11-10800351-G-A.
Other names: c.3149G>A, p.Arg1050Gln (NM_001346279.2); short protein forms R1050Q, R1074Q.
Identifiers: ClinVar variation 1060738 (VCV001060738.9), dbSNP rs750516152, ClinGen allele CA5885546.

ClinVar aggregate classification (germline): Uncertain significance (1 of 4 stars; one submission).

Allele frequency attached by ClinVar (database versions not stated): gnomAD 0.00001; gnomAD exomes 0.00001; ExAC 0.00002; TOPMed 0.00003.
gnomAD v4.1: 14 of 1,614,070 alleles (0.00087%); highest among the groups gnomAD compares: East Asian, 0.0045%; no homozygotes.

Submission:

Labcorp Genetics (formerly Invitae), Labcorp
Classification: Uncertain significance. Last evaluated: 2025-04-17. Review status: criteria provided, single submitter. Criteria: Invitae Variant Classification Sherloc (09022015). Collection method: clinical testing. Allele origin: germline.
Comment: This sequence change replaces arginine, which is basic and polar, with glutamine, which is neutral and polar, at codon 1074 of the CTR9 protein (p.Arg1074Gln). This variant is present in population databases (rs750516152, gnomAD 0.003%). This variant has not been reported in the literature in individuals affected with CTR9-related conditions. ClinVar contains an entry for this variant (Variation ID: 1060738). An algorithm developed to predict the effect of missense changes on protein structure and function (PolyPhen-2) suggests that this variant is likely to be tolerated. In summary, the available evidence is currently insufficient to determine the role of this variant in disease. Therefore, it has been classified as a Variant of Uncertain Significance.